The following is an entry in ClinVar:

ClinVar aggregate classification (germline): Pathogenic (1 of 4 stars; one submission).

Conditions:
Emery-Dreifuss muscular dystrophy 4, autosomal dominant (EDMD4). Also called: EMERY-DREIFUSS MUSCULAR DYSTROPHY 4 WITH VARIABLE FEATURES. Identifiers: Orphanet 261, MedGen C2751807, MONDO:0013071, OMIM 612998.
Autosomal recessive ataxia, Beauce type. Also called: SYNE1 Deficiency; Spinocerebellar ataxia, autosomal recessive 8; ATAXIA, RECESSIVE, OF BEAUCE; SYNE1-Related Autosomal Recessive Cerebellar Ataxia. Identifiers: Orphanet 88644, MedGen C1853116, MONDO:0012549, OMIM 610743.

Submission:

Labcorp Genetics (formerly Invitae), Labcorp
Classification: Pathogenic for Emery-Dreifuss muscular dystrophy 4, autosomal dominant; Autosomal recessive ataxia, Beauce type. Last evaluated: 2022-07-19. Review status: criteria provided, single submitter. Criteria: Invitae Variant Classification Sherloc (09022015). Collection method: clinical testing. Allele origin: germline.
Comment: For these reasons, this variant has been classified as Pathogenic. This variant has not been reported in the literature in individuals affected with SYNE1-related conditions. This variant is not present in population databases (gnomAD no frequency). This sequence change creates a premature translational stop signal (p.Asp7202Glufs*38) in the SYNE1 gene. It is expected to result in an absent or disrupted protein product. Loss-of-function variants in SYNE1 are known to be pathogenic (PMID: 19542096, 24319099, 27086870).

Literature cited by the submitters: PubMed 19542096; PubMed 24319099; PubMed 27086870.

NM_182961.4(SYNE1):c.21819del (p.Asp7273fs)

Gene: SYNE1 (spectrin repeat containing nuclear envelope protein 1; minus strand). Cytogenetic location: 6q25.2.
Variant type: Deletion.
Coding change: c.21819del on transcript NM_182961.4 (MANE Select); coding-DNA position 21819, one base deleted (C; older notation c.21819delC).
Protein change: p.Asp7273fs; shifts the reading frame from aspartic acid 7273.
Molecular consequence: frameshift variant.
Genome position (GRCh38, 1-based): chr6:152,220,884, G deleted on the plus strand (C on the coding strand, the reverse complement: SYNE1 is on the minus strand). VCF-style (leftmost placement, unchanged base first): chr6-152220883-TG-T. GRCh37 (hg19) VCF-style: chr6-152542018-TG-T.
Other names: c.21606del, p.Asp7202fs (NM_033071.5); short protein forms D7273fs, D7202fs.
Identifiers: ClinVar variation 2067469 (VCV002067469.4), dbSNP rs2551505402, ClinGen allele CA2580075202.